The following is an entry in ClinVar:

NM_032793.5(MFSD2A):c.379G>C (p.Val127Leu)

Gene: MFSD2A (MFSD2 lysolipid transporter A, lysophospholipid; plus strand). Cytogenetic location: 1p34.2.
Variant type: single nucleotide variant.
Coding change: c.379G>C on transcript NM_032793.5 (MANE Select); coding-DNA position 379, G replaced by C.
Protein change: p.Val127Leu; replaces valine 127 with leucine.
Molecular consequence: missense variant. On other transcripts: 5 prime UTR variant (1), non-coding transcript variant (1).
Genome position (GRCh38, 1-based): chr1:39,965,236, G>C. VCF-style: chr1-39965236-G-C. GRCh37 (hg19) VCF-style: chr1-40430908-G-C.
Other names: c.418G>C, p.Val140Leu (NM_001136493.3); c.-90G>C (NM_001287808.2); c.268G>C, p.Val90Leu (NM_001287809.2); c.373G>C, p.Val125Leu (NM_001349821.2); c.379G>C, p.Val127Leu (NM_001349822.2); c.34G>C, p.Val12Leu (NM_001349823.2); short protein forms V140L, V90L, V127L, V12L, V125L.
Identifiers: ClinVar variation 1029145 (VCV001029145.1), dbSNP rs144708707, ClinGen allele CA788621.

ClinVar aggregate classification (germline): Uncertain significance (1 of 4 stars; one submission).

Conditions:
Microcephaly 15, primary, autosomal recessive (NEDMISBA). Also called: NEURODEVELOPMENTAL DISORDER WITH PROGRESSIVE MICROCEPHALY, SPASTICITY, AND BRAIN IMAGING ABNORMALITIES. Identifiers: Orphanet 2512, MedGen C4225310, MONDO:0014660, OMIM 616486.

gnomAD v4.1: 7 of 1,614,006 alleles (0.00043%); highest among the groups gnomAD compares: Admixed American, 0.0083%; no homozygotes.

Submission:

Baylor Genetics
Classification: Uncertain significance for Microcephaly 15, primary, autosomal recessive. Last evaluated: 2020-07-27. Review status: criteria provided, single submitter. Criteria: ACMG Guidelines, 2015. Collection method: clinical testing. Allele origin: unknown. Affected: yes.
Comment: This variant was determined to be of uncertain significance according to ACMG Guidelines, 2015 [PMID:25741868].